The following is an entry in ClinVar:

ClinVar aggregate classification (germline): Benign. Review status: criteria provided, multiple submitters, no conflicts (2 of 4 stars). 2 submissions from 2 submitters: Benign (2). Last evaluated 2018-06-19.

Allele frequency attached by ClinVar (database versions not stated): gnomAD exomes 0.00383; gnomAD 0.03626 and 0.03895; ESP Exome Variant Server 0.03811; TOPMed 0.04275; 1000 Genomes Project 0.04313; 1000 Genomes Project 30x 0.04575.
gnomAD v4.1: 11,062 of 1,528,390 alleles (0.72%); highest among the groups gnomAD compares: African/African-American, 12%; 629 homozygotes.

Submissions (2):

GeneDx
Classification: Benign. Last evaluated: 2018-06-19. Review status: criteria provided, single submitter. Criteria: GeneDx Variant Classification (06012015). Collection method: clinical testing. Allele origin: germline. Affected: yes.
Comment: This variant is considered likely benign or benign based on one or more of the following criteria: it is a conservative change, it occurs at a poorly conserved position in the protein, it is predicted to be benign by multiple in silico algorithms, and/or has population frequency not consistent with disease.

Breakthrough Genomics
Classification: Benign. Review status: criteria provided, single submitter. Criteria: ACMG Guidelines, 2015. Collection method: not provided. Allele origin: germline. Inheritance: Autosomal dominant inheritance. Affected: yes.

NM_001378120.1(MBD5):c.4963-57C>T

Gene: MBD5 (methyl-CpG binding domain protein 5; plus strand). Cytogenetic location: 2q23.1.
Variant type: single nucleotide variant.
Coding change: c.4963-57C>T on transcript NM_001378120.1 (MANE Select); 57 bases into the intron before coding-DNA position 4963, C replaced by T.
Molecular consequence: intron variant.
Genome position (GRCh38, 1-based): chr2:148,502,379, C>T. VCF-style: chr2-148502379-C-T. GRCh37 (hg19) VCF-style: chr2-149259948-C-T.
Other names: c.4264-57C>T (NM_018328.5).
Identifiers: ClinVar variation 670853 (VCV000670853.2), dbSNP rs80229097, ClinGen allele CA58229183.